The following is an entry in ClinVar:

NM_005228.5(EGFR):c.832G>A (p.Asp278Asn)

Gene: EGFR (epidermal growth factor receptor; plus strand). Cytogenetic location: 7p11.2.
Variant type: single nucleotide variant.
Coding change: c.832G>A on transcript NM_005228.5 (MANE Select); coding-DNA position 832, G replaced by A.
Protein change: p.Asp278Asn; replaces aspartic acid 278 with asparagine.
Molecular consequence: missense variant. On other transcripts: intron variant (1).
Genome position (GRCh38, 1-based): chr7:55,154,095, G>A. VCF-style: chr7-55154095-G-A. GRCh37 (hg19) VCF-style: chr7-55221788-G-A.
Other names: c.697G>A, p.Asp233Asn (NM_001346897.2, NM_001346899.2); c.832G>A, p.Asp278Asn (NM_001346898.2, NM_201282.2, NM_201283.2 and 1 more transcripts); c.673G>A, p.Asp225Asn (NM_001346900.2); c.89-1735G>A (NM_001346941.2); short protein forms D225N, D233N, D278N.
Identifiers: ClinVar variation 2819679 (VCV002819679.3), dbSNP rs2128935042, ClinGen allele CA367577770.

ClinVar aggregate classification (germline): Uncertain significance (1 of 4 stars; one submission).

Conditions:
EGFR-related lung cancer (EGFR). Identifiers: MedGen CN130014.

Submission:

Labcorp Genetics (formerly Invitae), Labcorp
Classification: Uncertain significance for EGFR-related lung cancer. Last evaluated: 2025-05-19. Review status: criteria provided, single submitter. Criteria: Invitae Variant Classification Sherloc (09022015). Collection method: clinical testing. Allele origin: germline.
Comment: This sequence change replaces aspartic acid, which is acidic and polar, with asparagine, which is neutral and polar, at codon 278 of the EGFR protein (p.Asp278Asn). This variant is not present in population databases (gnomAD no frequency). This variant has not been reported in the literature in individuals affected with EGFR-related conditions. ClinVar contains an entry for this variant (Variation ID: 2819679). Invitae Evidence Modeling of protein sequence and biophysical properties (such as structural, functional, and spatial information, amino acid conservation, physicochemical variation, residue mobility, and thermodynamic stability) indicates that this missense variant is not expected to disrupt EGFR protein function with a negative predictive value of 80%. In summary, the available evidence is currently insufficient to determine the role of this variant in disease. Therefore, it has been classified as a Variant of Uncertain Significance.